The following is an entry in ClinVar:

NM_024649.5(BBS1):c.1022G>A (p.Arg341Gln)

Genes: BBS1 (Bardet-Biedl syndrome 1; plus strand), ZDHHC24 (zDHHC palmitoyltransferase 24; minus strand). Cytogenetic location: 11q13.2.
Variant type: single nucleotide variant.
Coding change: c.1022G>A on transcript NM_024649.5 (MANE Select); coding-DNA position 1022, G replaced by A.
Protein change: p.Arg341Gln; replaces arginine 341 with glutamine.
Molecular consequence: missense variant. On other transcripts: intron variant (1).
Genome position (GRCh38, 1-based): chr11:66,523,794, G>A. VCF-style: chr11-66523794-G-A. GRCh37 (hg19) VCF-style: chr11-66291265-G-A.
Other names: c.*22-2328C>T (NM_001348571.2); short protein forms R341Q.
Identifiers: ClinVar variation 2629363 (VCV002629363.5), dbSNP rs544274797, ClinGen allele CA6123591.

ClinVar aggregate classification (germline): Uncertain significance. Review status: criteria provided, multiple submitters, no conflicts (2 of 4 stars). 4 submissions from 4 submitters: Uncertain significance (4). Last evaluated 2026-09-02.

Conditions:
Bardet-Biedl syndrome 1 (BBS1). Identifiers: MedGen C2936862, MONDO:0008854, OMIM 209900. Disease mechanism: loss of function.
Inborn genetic diseases. Identifiers: MedGen C0950123, MeSH D030342.
BBS1-related disorder. Also called: BBS1-related condition.

Allele frequency attached by ClinVar (database versions not stated): gnomAD 0.00002; ExAC 0.00002; TOPMed below 0.00001; 1000 Genomes Project 30x 0.00016; 1000 Genomes Project 0.00020.
gnomAD v4.1: 19 of 1,613,408 alleles (0.0012%); highest among the groups gnomAD compares: East Asian, 0.0022%; no homozygotes.

Submissions (4):

PreventionGenetics, part of Exact Sciences
Classification: Uncertain significance for BBS1-related condition. Last evaluated: 2026-09-02. Review status: criteria provided, single submitter. Criteria: ACMG Guidelines, 2015. Collection method: clinical testing. Allele origin: germline.
Comment: The BBS1 c.1022G>A variant is predicted to result in the amino acid substitution p.Arg341Gln. To our knowledge, this variant has not been reported in the literature. This variant is reported in 0.0054% of alleles in individuals of East Asian descent in gnomAD. At this time, the clinical significance of this variant is uncertain due to the absence of conclusive functional and genetic evidence.

Ambry Genetics
Classification: Uncertain significance for Inborn genetic diseases. Last evaluated: 2025-05-23. Review status: criteria provided, single submitter. Criteria: Ambry Variant Classification Scheme 2023. Collection method: clinical testing. Allele origin: germline.

Blueprint Genetics
Classification: Uncertain significance. Last evaluated: 2024-07-16. Review status: criteria provided, single submitter. Criteria: ACMG Guidelines, 2015. Collection method: clinical testing. Allele origin: germline.

Fulgent Genetics
Classification: Uncertain significance for Bardet-Biedl syndrome 1. Last evaluated: 2024-02-20. Review status: criteria provided, single submitter. Criteria: ACMG Guidelines, 2015. Collection method: clinical testing. Allele origin: germline.